The following is an entry in ClinVar:

NM_000337.6(SGCD):c.593G>A (p.Arg198Gln)

Gene: SGCD (sarcoglycan delta; plus strand). Cytogenetic location: 5q33.3.
Variant type: single nucleotide variant.
Coding change: c.593G>A on transcript NM_000337.6 (MANE Select); coding-DNA position 593, G replaced by A.
Protein change: p.Arg198Gln; replaces arginine 198 with glutamine.
Molecular consequence: missense variant.
Genome position (GRCh38, 1-based): chr5:156,757,598, G>A. VCF-style: chr5-156757598-G-A. GRCh37 (hg19) VCF-style: chr5-156184609-G-A.
Other names: c.590G>A, p.Arg197Gln (NM_001128209.2); c.593G>A, p.Arg198Gln (NM_172244.3); short protein forms R198Q, R197Q.
Identifiers: ClinVar variation 582822 (VCV000582822.8), dbSNP rs750459196, ClinGen allele CA3530643.

ClinVar aggregate classification (germline): Uncertain significance. Review status: criteria provided, multiple submitters, no conflicts (2 of 4 stars). 5 submissions from 4 submitters: Uncertain significance (5). Last evaluated 2024-03-30.

Conditions:
Inborn genetic diseases. Identifiers: MedGen C0950123, MeSH D030342.
Autosomal recessive limb-girdle muscular dystrophy type 2F (LGMDR6). Also called: Muscular dystrophy limb-girdle with delta-sarcoglyan deficiency; MUSCULAR DYSTROPHY, LIMB-GIRDLE, AUTOSOMAL RECESSIVE 6. Identifiers: Orphanet 219, MedGen C1832525, MONDO:0011028, OMIM 601287. Disease mechanism: Affects gamma-sarcoglycan and also disrupts the integrity of the entire sarcoglycan complex..
Dilated cardiomyopathy 1L (CMD1L). Identifiers: Orphanet 154, MedGen C1847667, MONDO:0011702, OMIM 606685.

Allele frequency attached by ClinVar (database versions not stated): TOPMed below 0.00001; ExAC 0.00002; gnomAD 0.00003.
gnomAD v4.1: 30 of 1,609,244 alleles (0.0019%); highest among the groups gnomAD compares: African/African-American, 0.0053%; no homozygotes.

Submissions (5):

Ambry Genetics
Classification: Uncertain significance for Inborn genetic diseases. Last evaluated: 2024-03-30. Review status: criteria provided, single submitter. Criteria: Ambry Variant Classification Scheme 2023. Collection method: clinical testing. Allele origin: germline.
Comment: The p.R198Q variant (also known as c.593G>A), located in coding exon 7 of the SGCD gene, results from a G to A substitution at nucleotide position 593. The arginine at codon 198 is replaced by glutamine, an amino acid with highly similar properties. This amino acid position is conserved. In addition, this alteration is predicted to be deleterious by in silico analysis. Based on the available evidence, the clinical significance of this alteration remains unclear.

Genome-Nilou Lab
Classification: Uncertain significance for Autosomal recessive limb-girdle muscular dystrophy type 2F. Last evaluated: 2023-02-08. Review status: criteria provided, single submitter. Criteria: ACMG Guidelines, 2015. Collection method: clinical testing. Allele origin: germline.

Genome-Nilou Lab
Classification: Uncertain significance for Dilated cardiomyopathy 1L. Last evaluated: 2023-02-08. Review status: criteria provided, single submitter. Criteria: ACMG Guidelines, 2015. Collection method: clinical testing. Allele origin: germline.

Labcorp Genetics (formerly Invitae), Labcorp
Classification: Uncertain significance for Autosomal recessive limb-girdle muscular dystrophy type 2F. Last evaluated: 2022-09-01. Review status: criteria provided, single submitter. Criteria: Invitae Variant Classification Sherloc (09022015). Collection method: clinical testing. Allele origin: germline.
Comment: This sequence change replaces arginine, which is basic and polar, with glutamine, which is neutral and polar, at codon 198 of the SGCD protein (p.Arg198Gln). The frequency data for this variant in the population databases is considered unreliable, as metrics indicate poor data quality at this position in the gnomAD database. This variant has not been reported in the literature in individuals affected with SGCD-related conditions. ClinVar contains an entry for this variant (Variation ID: 582822). Algorithms developed to predict the effect of missense changes on protein structure and function are either unavailable or do not agree on the potential impact of this missense change (SIFT: "Deleterious"; PolyPhen-2: "Probably Damaging"; Align-GVGD: "Class C0"). In summary, the available evidence is currently insufficient to determine the role of this variant in disease. Therefore, it has been classified as a Variant of Uncertain Significance.

Fulgent Genetics
Classification: Uncertain significance for Autosomal recessive limb-girdle muscular dystrophy type 2F; Dilated cardiomyopathy 1L. Last evaluated: 2021-09-24. Review status: criteria provided, single submitter. Criteria: ACMG Guidelines, 2015. Collection method: clinical testing. Allele origin: unknown.